The following is an entry in ClinVar:

NM_004655.4(AXIN2):c.1259A>G (p.Gln420Arg)

Gene: AXIN2 (axin 2; minus strand). Cytogenetic location: 17q24.1.
Variant type: single nucleotide variant.
Coding change: c.1259A>G on transcript NM_004655.4 (MANE Select); coding-DNA position 1259, A replaced by G.
Protein change: p.Gln420Arg; replaces glutamine 420 with arginine.
Molecular consequence: missense variant.
Genome position (GRCh38, 1-based): chr17:65,537,777, T>C on the plus strand (A>G on the coding strand, the complement: AXIN2 is on the minus strand). VCF-style: chr17-65537777-T-C. GRCh37 (hg19) VCF-style: chr17-63533895-T-C.
Other names: c.1259A>G, p.Gln420Arg (NM_001363813.1); short protein forms Q420R.
Identifiers: ClinVar variation 1762480 (VCV001762480.8), dbSNP rs774530969, ClinGen allele CA400677862.

ClinVar aggregate classification (germline): Uncertain significance. Review status: criteria provided, multiple submitters, no conflicts (2 of 4 stars). 2 submissions from 2 submitters: Uncertain significance (2). Last evaluated 2025-11-30.

Conditions:
Hereditary cancer-predisposing syndrome. Also called: Neoplastic Syndromes, Hereditary; Tumor predisposition; Hereditary Cancer Syndrome; Hereditary neoplastic syndrome. Identifiers: Orphanet 140162, MedGen C0027672, MeSH D009386, MONDO:0015356.
Oligodontia-cancer predisposition syndrome. Also called: TOOTH AGENESIS-COLORECTAL CANCER SYNDROME. Identifiers: Orphanet 300576, MedGen C1837750, MONDO:0012075, OMIM 608615. Disease mechanism: loss of function.

gnomAD v4.1: 1 of 1,587,796 alleles (0.000063%); no homozygotes.

Submissions (2):

Labcorp Genetics (formerly Invitae), Labcorp
Classification: Uncertain significance for Oligodontia-cancer predisposition syndrome. Last evaluated: 2025-11-30. Review status: criteria provided, single submitter. Criteria: Invitae Variant Classification Sherloc (09022015). Collection method: clinical testing. Allele origin: germline.
Comment: This sequence change replaces glutamine, which is neutral and polar, with arginine, which is basic and polar, at codon 420 of the AXIN2 protein (p.Gln420Arg). This variant is not present in population databases (gnomAD no frequency). This variant has not been reported in the literature in individuals affected with AXIN2-related conditions. ClinVar contains an entry for this variant (Variation ID: 1762480). Invitae Evidence Modeling of protein sequence and biophysical properties (such as structural, functional, and spatial information, amino acid conservation, physicochemical variation, residue mobility, and thermodynamic stability) indicates that this missense variant is not expected to disrupt AXIN2 protein function with a negative predictive value of 80%. In summary, the available evidence is currently insufficient to determine the role of this variant in disease. Therefore, it has been classified as a Variant of Uncertain Significance.

Ambry Genetics
Classification: Uncertain significance for Hereditary cancer-predisposing syndrome. Last evaluated: 2024-11-21. Review status: criteria provided, single submitter. Criteria: Ambry Variant Classification Scheme 2023. Collection method: clinical testing. Allele origin: germline.
Comment: The p.Q420R variant (also known as c.1259A>G), located in coding exon 5 of the AXIN2 gene, results from an A to G substitution at nucleotide position 1259. The glutamine at codon 420 is replaced by arginine, an amino acid with highly similar properties. This amino acid position is not well conserved in available vertebrate species. In addition, this alteration is predicted to be tolerated by in silico analysis. Based on the available evidence, the clinical significance of this variant remains unclear.